The following is an entry in ClinVar:

NM_001148.6(ANK2):c.8918T>G (p.Val2973Gly)

Gene: ANK2 (ankyrin 2; plus strand). Cytogenetic location: 4q26.
Variant type: single nucleotide variant.
Coding change: c.8918T>G on transcript NM_001148.6 (MANE Select); coding-DNA position 8918, T replaced by G.
Protein change: p.Val2973Gly; replaces valine 2973 with glycine.
Molecular consequence: missense variant. On other transcripts: intron variant (68).
Genome position (GRCh38, 1-based): chr4:113,357,536, T>G. VCF-style: chr4-113357536-T-G. GRCh37 (hg19) VCF-style: chr4-114278692-T-G.
Other names: c.8684T>G, p.Val2895Gly (NM_001386142.1); c.5318T>G, p.Val1773Gly (NM_001386166.1); c.9059T>G, p.Val3020Gly (NM_001386174.1); c.9035T>G, p.Val3012Gly (NM_001386175.1); c.4412-3287T>G (NM_001386186.2, NM_001386148.2); c.4214-3287T>G (NM_001354269.3); c.4292-3287T>G (NM_001386187.2); c.4253-3287T>G (NM_001386147.1); and 35 more; short protein forms V2973G, V1773G, V2895G, V3012G, V3020G.
Identifiers: ClinVar variation 406477 (VCV000406477.12), dbSNP rs142302291, ClinGen allele CA3051849.

ClinVar aggregate classification (germline): Conflicting classifications of pathogenicity. Review status: criteria provided, conflicting classifications (1 of 4 stars). 4 submissions from 4 submitters: Uncertain significance (3); Likely benign (1). Last evaluated 2025-09-02.

Conditions:
Cardiovascular phenotype. Identifiers: MedGen CN230736.
Long QT syndrome (LQTS). Identifiers: MedGen C0023976, MeSH D008133, MONDO:0002442. Disease mechanism: loss of function. Inheritance: Various modes of inheritance.
Cardiac arrhythmia, ankyrin-B-related. Also called: ANKYRIN-B SYNDROME. Identifiers: Orphanet 101016, Orphanet 768, MedGen C1970119, MONDO:0010958, OMIM 600919.

Allele frequency attached by ClinVar (database versions not stated): gnomAD exomes 0.00007 and 0.00004; TOPMed 0.00011; ExAC 0.00007; ESP Exome Variant Server 0.00008; gnomAD 0.00005.
gnomAD v4.1: 117 of 1,614,060 alleles (0.0072%); highest among the groups gnomAD compares: Non-Finnish European, 0.0087%; no homozygotes.

Submissions (4):

GeneDx
Classification: Uncertain significance. Last evaluated: 2025-09-02. Review status: criteria provided, single submitter. Criteria: GeneDx Variant Classification Process June 2021. Collection method: clinical testing. Allele origin: germline. Affected: yes.
Comment: Has not been previously published as pathogenic or benign to our knowledge; Located in exon 38, which is reported as being expressed in a brain-specific transcript (PMID: 1830053, 18790697, 26109584); In silico analysis suggests that this missense variant does not alter protein structure/function; This variant is associated with the following publications: (PMID: 1830053, 18790697, 26109584)

Labcorp Genetics (formerly Invitae), Labcorp
Classification: Uncertain significance for Long QT syndrome. Last evaluated: 2024-11-30. Review status: criteria provided, single submitter. Criteria: Invitae Variant Classification Sherloc (09022015). Collection method: clinical testing. Allele origin: germline.
Comment: This sequence change replaces valine, which is neutral and non-polar, with glycine, which is neutral and non-polar, at codon 2973 of the ANK2 protein (p.Val2973Gly). This variant is present in population databases (rs142302291, gnomAD 0.01%). This variant has not been reported in the literature in individuals affected with ANK2-related conditions. ClinVar contains an entry for this variant (Variation ID: 406477). An algorithm developed to predict the effect of missense changes on protein structure and function (PolyPhen-2) suggests that this variant¬†is likely to be tolerated. In summary, the available evidence is currently insufficient to determine the role of this variant in disease. Therefore, it has been classified as a Variant of Uncertain Significance.

Fulgent Genetics
Classification: Uncertain significance for Cardiac arrhythmia, ankyrin-B-related. Last evaluated: 2021-08-18. Review status: criteria provided, single submitter. Criteria: ACMG Guidelines, 2015. Collection method: clinical testing. Allele origin: unknown.

Ambry Genetics
Classification: Likely benign for Cardiovascular phenotype. Last evaluated: 2018-09-20. Review status: criteria provided, single submitter. Criteria: Ambry Variant Classification Scheme 2023. Collection method: clinical testing. Allele origin: germline.